The following is an entry in ClinVar:

ClinVar aggregate classification (germline): Pathogenic/Likely pathogenic. Review status: criteria provided, multiple submitters, no conflicts (2 of 4 stars). 5 submissions from 5 submitters: Pathogenic (1); Likely pathogenic (3). 1 of the submissions does not count toward it. Last evaluated 2025-10-15.

Conditions:
Homocystinuria. Identifiers: MedGen C0019880, MONDO:0004737, HP:0002156.
Classic homocystinuria. Also called: Homocystinuria due to Cystathionine Beta-Synthase Deficiency; HOMOCYSTINURIA WITH OR WITHOUT RESPONSE TO PYRIDOXINE; Homocystinuria due to CBS deficiency; Cystathionine beta-synthase deficiency; CBS deficiency. Identifiers: Orphanet 394, MedGen C0751202, MONDO:0009352, OMIM 236200.
HYPERHOMOCYSTEINEMIA, THROMBOTIC, CBS-RELATED. Identifiers: MedGen C3150344, OMIM 236200.

Submissions (5):

Natera, Inc.
Classification: Likely pathogenic for Homocystinuria due to cystathionine beta-synthase deficiency. Last evaluated: 2025-10-15. Review status: criteria provided, single submitter. Criteria: Natera Variant Classification Schema (03/2026). Collection method: clinical testing. Allele origin: germline.
Comment: The c.683A>G variant in CBS is a missense variant predicted to cause substitution of asparagine to serine at amino acid 228. This variant is rare in the general population with a frequency below the threshold expected for the associated phenotype(s). This variant has been observed in one or more individuals affected with the associated recessive disease, as either homozygous or compound heterozygous with a second variant (PMID: 14635102). Functional studies show that this variant may disrupt protein function (PMID: 14635102, 20066033). Computational prediction algorithms indicate this variant is likely to affect gene or protein function. Given the available evidence, this variant is classified as Likely Pathogenic.

Baylor Genetics
Classification: Likely pathogenic for Classic homocystinuria. Last evaluated: 2023-09-14. Review status: criteria provided, single submitter. Criteria: ACMG Guidelines, 2015. Collection method: clinical testing. Allele origin: unknown.

Women's Health and Genetics/Laboratory Corporation of America, LabCorp
Classification: Pathogenic for Homocystinuria. Last evaluated: 2023-08-29. Review status: criteria provided, single submitter. Criteria: LabCorp Variant Classification Summary - May 2015. Collection method: clinical testing. Allele origin: germline.
Comment: Variant summary: CBS c.683A>G (p.Asn228Ser) results in a conservative amino acid change located in the Tryptophan synthase beta chain-like, PALP domain (IPR001926) of the encoded protein sequence. This alters a highly conserved residue in which a different amino acid change (p.Asn228Lys) has been classified as pathogenic by our laboratory. Four of five in-silico tools predict a damaging effect of the variant on protein function. The variant was absent in 251386 control chromosomes (gnomAD). c.683A>G has been reported in the literature in the homozygous state in an individual affected with Homocystinuria (Kruger_2003). These data indicate that the variant may be associated with disease. Several publications reports experimental evidence evaluating an impact on protein function, finding that the variant results in a nonfunctional protein in yeast colonies, almost entirely ablating CBS activity (Kruger_2003, Singh_2010, Wei_2010, Mayfield_2012). The following publications have been ascertained in the context of this evaluation (PMID: 14635102, 20455263, 22267502, 20066033). Two submitters have cited clinical-significance assessments for this variant to ClinVar after 2014. One submitter classified the variant as pathogenic/likely pathogenic, and one submitter classified the variant as uncertain significance. Based on the evidence outlined above, the variant was classified as pathogenic.

Labcorp Genetics (formerly Invitae), Labcorp
Classification: Likely pathogenic for HYPERHOMOCYSTEINEMIA, THROMBOTIC, CBS-RELATED. Last evaluated: 2022-11-29. Review status: criteria provided, single submitter. Criteria: Invitae Variant Classification Sherloc (09022015). Collection method: clinical testing. Allele origin: germline.
Comment: This missense change has been observed in individual(s) with homocystinuria (PMID: 14635102). ClinVar contains an entry for this variant (Variation ID: 553698). In summary, the currently available evidence indicates that the variant is pathogenic, but additional data are needed to prove that conclusively. Therefore, this variant has been classified as Likely Pathogenic. Experimental studies have shown that this missense change affects CBS function (PMID: 14635102, 17540596, 20066033, 22267502). Advanced modeling of protein sequence and biophysical properties (such as structural, functional, and spatial information, amino acid conservation, physicochemical variation, residue mobility, and thermodynamic stability) performed at Invitae indicates that this missense variant is expected to disrupt CBS protein function. This variant disrupts the p.Asn228 amino acid residue in CBS. Other variant(s) that disrupt this residue have been determined to be pathogenic (PMID: 9889017, 12124992, 15146473). This suggests that this residue is clinically significant, and that variants that disrupt this residue are likely to be disease-causing. This sequence change replaces asparagine, which is neutral and polar, with serine, which is neutral and polar, at codon 228 of the CBS protein (p.Asn228Ser). This variant is not present in population databases (gnomAD no frequency).

Counsyl
Classification: Uncertain significance for Classic homocystinuria. Last evaluated: 2017-09-12. Review status: no assertion criteria provided. Collection method: clinical testing. Allele origin: unknown. Not counted in ClinVar's aggregate classification.

Literature cited by the submitters: PubMed 14635102 (cited by 4 submitters); PubMed 20066033 (cited by 4 submitters); PubMed 22267502 (cited by 3 submitters); PubMed 20455263 (cited by Women's Health and Genetics/Laboratory Corporation of America, LabCorp and Counsyl); PubMed 17540596 (cited by Labcorp Genetics (formerly Invitae), Labcorp and Counsyl); PubMed 9889017 (cited by Labcorp Genetics (formerly Invitae), Labcorp); PubMed 12124992 (cited by Labcorp Genetics (formerly Invitae), Labcorp); PubMed 15146473 (cited by Labcorp Genetics (formerly Invitae), Labcorp); PubMed 12686134 (cited by Counsyl).

NM_000071.3(CBS):c.683A>G (p.Asn228Ser)

Gene: CBS (cystathionine beta-synthase; minus strand). Cytogenetic location: 21q22.3.
Variant type: single nucleotide variant.
Coding change: c.683A>G on transcript NM_000071.3 (MANE Select); coding-DNA position 683, A replaced by G.
Protein change: p.Asn228Ser; replaces asparagine 228 with serine.
Molecular consequence: missense variant.
Genome position (GRCh38, 1-based): chr21:43,065,256, T>C on the plus strand (A>G on the coding strand, the complement: CBS is on the minus strand). VCF-style: chr21-43065256-T-C. GRCh37 (hg19) VCF-style: chr21-44485366-T-C.
Other names: c.683A>G, p.Asn228Ser (NM_001178008.3, NM_001178009.3, NM_001320298.2); c.368A>G, p.Asn123Ser (NM_001321072.1); short protein forms N228S, N123S.
Identifiers: ClinVar variation 553698 (VCV000553698.13), dbSNP rs1555874803, ClinGen allele CA410600619.
Genomic context (GRCh38, chr21:43,065,256, plus strand): 5'-GACGCACCATCACACTGCTGCAGGATCTCATCAGCGGTGGTGTCGTAGTGAGCCAGGGGG[T>C]TGCTGGCGTTGCGGTACTGCATAGAAAGAGAGCAGAGCCCGTGAGCTGACCCCTGACACC-3'
Protein context (NP_000062.1, residues 218-238): HILDQYRNAS[Asn228Ser]PLAHYDTTAD